The following is an entry in ClinVar:

NM_000441.2(SLC26A4):c.1264G>A (p.Val422Ile)

Gene: SLC26A4 (solute carrier family 26 member 4; plus strand). Cytogenetic location: 7q22.3.
Variant type: single nucleotide variant.
Coding change: c.1264G>A on transcript NM_000441.2 (MANE Select); coding-DNA position 1264, G replaced by A.
Protein change: p.Val422Ile; replaces valine 422 with isoleucine.
Molecular consequence: missense variant.
Genome position (GRCh38, 1-based): chr7:107,694,403, G>A. VCF-style: chr7-107694403-G-A. GRCh37 (hg19) VCF-style: chr7-107334848-G-A.
Other names: c.1264G>A (NM_000441.1); short protein forms V422I.
Identifiers: ClinVar variation 3240501 (VCV003240501.3), dbSNP rs2535326455.
Genomic context (GRCh38, chr7:107,694,403, plus strand): 5'-GAGCTGGAAGACACAAGGGAGAAGGACGAATCCTTTTCATAGGAGGTGTGTGTCTTCCAG[G>A]TTGCTGGCATCATCTCTGCTGCGATTGTGATGATCGCCATTCTTGCCCTGGGGAAGCTTC-3'
Protein context (NP_000432.1, residues 412-432): VQESTGGKTQ[Val422Ile]AGIISAAIVM

ClinVar aggregate classification (germline): Conflicting classifications of pathogenicity. Review status: criteria provided, conflicting classifications (1 of 4 stars). 3 submissions from 3 submitters: Likely pathogenic (2); Uncertain significance (1). Last evaluated 2026-02-20.

Conditions:
Autosomal recessive nonsyndromic hearing loss 4 (DFNB4). Also called: Deafness, autosomal recessive 4; Nonsyndromic enlarged vestibular aqueduct (NSEVA); FOXI1-Related Pendred Syndrome; KCNJ10-Related Pendred Syndrome; DEAFNESS, AUTOSOMAL RECESSIVE 4, WITH ENLARGED VESTIBULAR AQUEDUCT, DIGENIC; NEUROSENSORY NONSYNDROMIC RECESSIVE DEAFNESS 4. Identifiers: Orphanet 90636, MedGen C3538946, MONDO:0010933, OMIM 600791.
Pendred syndrome (PDS). Also called: DEAFNESS WITH GOITER; GOITER-DEAFNESS SYNDROME; HYPOTHYROIDISM, CONGENITAL, DUE TO DYSHORMONOGENESIS, 2B; Pendred Syndrome (PDS); THYROID DYSHORMONOGENESIS 2B; THYROID HORMONOGENESIS, GENETIC DEFECT IN, 2B. Identifiers: Orphanet 705, MedGen C0271829, MONDO:0010134, OMIM 274600.

Allele frequency attached by ClinVar (database versions not stated): gnomAD exomes below 0.00001.
gnomAD v4.1: 3 of 1,612,840 alleles (0.00019%); highest among the groups gnomAD compares: South Asian, 0.0033%; no homozygotes.

Submissions (3):

Myriad Genetics, Inc.
Classification: Uncertain significance for Pendred syndrome. Last evaluated: 2026-02-20. Review status: criteria provided, single submitter. Criteria: Myriad Autosomal Dominant, Autosomal Recessive and X-Linked Classification Criteria (2023). Collection method: clinical testing. Allele origin: unknown.
Comment: NM_000441.1(SLC26A4):c.1264G>A(V422I) is a missense variant classified as a variant of uncertain significance in the context of Pendred syndrome. V422I has been observed in cases with relevant disease (PMID: 25372295, 27247933). Relevant functional assessments of this variant are not available in the literature. V422I has not been observed in referenced population frequency databases. In summary, there is insufficient evidence to classify NM_000441.1(SLC26A4):c.1264G>A(V422I) as pathogenic or benign. Please note: this variant was assessed in the context of healthy population screening.

Natera, Inc.
Classification: Likely pathogenic for Pendred syndrome. Last evaluated: 2025-05-12. Review status: criteria provided, single submitter. Criteria: Natera Variant Classification Schema (03/2026). Collection method: clinical testing. Allele origin: germline.
Comment: The c.1264G>A variant in SLC26A4 is a missense variant predicted to cause substitution of valine to isoleucine at amino acid 422. This variant is rare in the general population with a frequency below the threshold expected for the associated phenotype(s). This variant has been observed in one or more individuals affected with the associated recessive disease, as either homozygous or compound heterozygous with a second variant (PMID: 25372295). Computational prediction algorithms indicate this variant is likely to affect gene or protein function. Given the available evidence, this variant is classified as Likely Pathogenic.

Baylor Genetics
Classification: Likely pathogenic for Autosomal recessive nonsyndromic hearing loss 4. Last evaluated: 2024-02-20. Review status: criteria provided, single submitter. Criteria: ACMG Guidelines, 2015. Collection method: clinical testing. Allele origin: unknown.

Literature cited by the submitters: PubMed 25372295 (cited by Myriad Genetics, Inc. and Natera, Inc.); PubMed 27247933 (cited by Myriad Genetics, Inc.).